The following is an entry in ClinVar:

ClinVar aggregate classification (germline): Likely benign (1 of 4 stars; one submission).

Submission:

CeGaT Center for Human Genetics Tuebingen
Classification: Likely benign. Last evaluated: 2026-09-01. Review status: criteria provided, single submitter. Criteria: CeGaT Center For Human Genetics Tuebingen Variant Classification Criteria Version 2. Collection method: clinical testing. Allele origin: germline. Affected: yes. Observed: 1 variant allele.
Comment: HSPG2: PM2:Supporting, BP4, BP7

NM_005529.7(HSPG2):c.48C>T (p.His16=)

Gene: HSPG2 (heparan sulfate proteoglycan 2; minus strand). Cytogenetic location: 1p36.12.
Variant type: single nucleotide variant.
Coding change: c.48C>T on transcript NM_005529.7 (MANE Select); coding-DNA position 48, C replaced by T.
Protein change: p.His16=; no amino-acid change (histidine 16 retained).
Molecular consequence: synonymous variant.
Genome position (GRCh38, 1-based): chr1:21,937,170, G>A on the plus strand (C>T on the coding strand, the complement: HSPG2 is on the minus strand). VCF-style: chr1-21937170-G-A. GRCh37 (hg19) VCF-style: chr1-22263663-G-A.
Other names: c.48C>T, p.His16= (NM_001291860.2).
Identifiers: ClinVar variation 5039898 (VCV005039898.1).